The following is an entry in ClinVar:

ClinVar aggregate classification (germline): Pathogenic (1 of 4 stars; one submission).

Submission:

Labcorp Genetics (formerly Invitae), Labcorp
Classification: Pathogenic. Last evaluated: 2025-10-12. Review status: criteria provided, single submitter. Criteria: Invitae Variant Classification Sherloc (09022015). Collection method: clinical testing. Allele origin: germline.
Comment: This sequence change creates a premature translational stop signal (p.Tyr622*) in the PHEX gene. It is expected to result in an absent or disrupted protein product. Loss-of-function variants in PHEX are known to be pathogenic (PMID: 9097956, 9106524, 19219621). This variant is not present in population databases (gnomAD no frequency). This variant has not been reported in the literature in individuals affected with PHEX-related conditions. ClinVar contains an entry for this variant (Variation ID: 2742735). For these reasons, this variant has been classified as Pathogenic.

Literature cited by the submitters: PubMed 9097956; PubMed 9106524; PubMed 19219621.

NM_000444.6(PHEX):c.1865dup (p.Tyr622Ter)

Genes: PHEX (phosphate regulating endopeptidase X-linked; plus strand), PTCHD1-AS (PTCHD1 and PHEX antisense RNA; minus strand). Cytogenetic location: Xp22.11.
Variant type: Duplication.
Coding change: c.1865dup on transcript NM_000444.6 (MANE Select); coding-DNA position 1865, one base duplicated (A; older notation c.1865dupA).
Protein change: p.Tyr622Ter; replaces tyrosine 622 with a stop codon.
Molecular consequence: nonsense.
Genome position (GRCh38, 1-based): chrX:22,221,709, A duplicated. VCF-style (leftmost placement, unchanged base first): chrX-22221708-T-TA. GRCh37 (hg19) VCF-style: chrX-22239825-T-TA.
Other names: c.1865dup, p.Tyr622Ter (NM_001282754.2); short protein forms Y622*.
Identifiers: ClinVar variation 2742735 (VCV002742735.3), dbSNP rs2518664589, ClinGen allele CA2697552908.